The following is an entry in ClinVar:

NM_152305.3(POGLUT1):c.320+5G>A

Gene: POGLUT1 (protein O-glucosyltransferase 1; plus strand). Cytogenetic location: 3q13.33.
Variant type: single nucleotide variant.
Coding change: c.320+5G>A on transcript NM_152305.3 (MANE Select); 5 bases into the intron after coding-DNA position 320, G replaced by A.
Molecular consequence: intron variant.
Genome position (GRCh38, 1-based): chr3:119,471,457, G>A. VCF-style: chr3-119471457-G-A. GRCh37 (hg19) VCF-style: chr3-119190304-G-A.
Identifiers: ClinVar variation 3681404 (VCV003681404.2).

ClinVar aggregate classification (germline): Uncertain significance (1 of 4 stars; one submission).

gnomAD v4.1: 2 of 1,613,326 alleles (0.00012%); highest among the groups gnomAD compares: Non-Finnish European, 0.00017%; no homozygotes.

Submission:

Labcorp Genetics (formerly Invitae), Labcorp
Classification: Uncertain significance. Last evaluated: 2024-07-01. Review status: criteria provided, single submitter. Criteria: Invitae Variant Classification Sherloc (09022015). Collection method: clinical testing. Allele origin: germline.
Comment: This sequence change falls in intron 3 of the POGLUT1 gene. It does not directly change the encoded amino acid sequence of the POGLUT1 protein. It affects a nucleotide within the consensus splice site. This variant is not present in population databases (gnomAD no frequency). This variant has not been reported in the literature in individuals affected with POGLUT1-related conditions. Variants that disrupt the consensus splice site are a relatively common cause of aberrant splicing (PMID: 17576681, 9536098). Algorithms developed to predict the effect of sequence changes on RNA splicing suggest that this variant is not likely to affect RNA splicing. In summary, the available evidence is currently insufficient to determine the role of this variant in disease. Therefore, it has been classified as a Variant of Uncertain Significance.

Literature cited by the submitters: PubMed 17576681; PubMed 9536098.